The following is an entry in ClinVar:

ClinVar aggregate classification (germline): Benign/Likely benign. Review status: criteria provided, multiple submitters, no conflicts (2 of 4 stars). 3 submissions from 3 submitters: Benign (1); Likely benign (2). Last evaluated 2025-01-06.

Conditions:
Hereditary nonpolyposis colorectal neoplasms. Identifiers: MedGen C0009405, MeSH D003123.
Lynch syndrome 5 (LYNCH5). Also called: Hereditary non-polyposis colorectal cancer, type 5; Colorectal cancer, hereditary nonpolyposis, type 5. Identifiers: Orphanet 144, MedGen C1833477, MONDO:0013710, OMIM 614350. Disease mechanism: loss of function.
Hereditary cancer-predisposing syndrome. Also called: Tumor predisposition; Hereditary Cancer Syndrome; Hereditary neoplastic syndrome; Neoplastic Syndromes, Hereditary. Identifiers: Orphanet 140162, MedGen C0027672, MeSH D009386, MONDO:0015356.

Submissions (3):

Myriad Genetics, Inc.
Classification: Benign for Lynch syndrome 5. Last evaluated: 2025-01-06. Review status: criteria provided, single submitter. Criteria: Myriad Autosomal Dominant, Autosomal Recessive and X-Linked Classification Criteria (2023). Collection method: clinical testing. Allele origin: unknown.
Comment: This variant is considered benign. This variant is a silent/synonymous amino acid change and it is not expected to impact splicing.

Labcorp Genetics (formerly Invitae), Labcorp
Classification: Likely benign for Hereditary nonpolyposis colorectal neoplasms. Last evaluated: 2024-09-30. Review status: criteria provided, single submitter. Criteria: Invitae Variant Classification Sherloc (09022015). Collection method: clinical testing. Allele origin: germline.

Ambry Genetics
Classification: Likely benign for Hereditary cancer-predisposing syndrome. Last evaluated: 2024-04-19. Review status: criteria provided, single submitter. Criteria: Ambry Variant Classification Scheme 2023. Collection method: clinical testing. Allele origin: germline.

NM_000179.3(MSH6):c.3336C>T (p.Asp1112=)

Gene: MSH6 (mutS homolog 6; plus strand). Cytogenetic location: 2p16.3.
Variant type: single nucleotide variant.
Coding change: c.3336C>T on transcript NM_000179.3 (MANE Select); coding-DNA position 3336, C replaced by T.
Protein change: p.Asp1112=; no amino-acid change (aspartic acid 1112 retained).
Molecular consequence: synonymous variant. On other transcripts: non-coding transcript variant (5), intron variant (1).
Genome position (GRCh38, 1-based): chr2:47,803,583, C>T. VCF-style: chr2-47803583-C-T. GRCh37 (hg19) VCF-style: chr2-48030722-C-T.
Other names: c.3342C>T, p.Asp1114= (NM_001406813.1); c.2430C>T, p.Asp810= (NM_001406814.1, NM_001406815.1, NM_001406816.1 and 6 more transcripts); c.1770C>T, p.Asp590= (NM_001406817.1); c.3039C>T, p.Asp1013= (NM_001406818.1, NM_001406819.1, NM_001406820.1 and 10 more transcripts); c.3168C>T, p.Asp1056= (NM_001406826.1); c.117C>T, p.Asp39= (NM_001406831.1); c.183C>T, p.Asp61= (NM_001406832.1); c.1281C>T, p.Asp427= (NM_001407362.1); and 7 more.
Identifiers: ClinVar variation 3296341 (VCV003296341.4).
Genomic context (GRCh38, chr2:47,803,583, plus strand): 5'-AGGATCACGCCATCCTTGCATTACGAAGACTTTTTTTGGAGATGATTTTATTCCTAATGA[C>T]ATTCTAATAGGCTGTGAGGAAGAGGAGCAGGAAAATGGCAAAGCCTATTGTGTGCTTGTT-3'
Protein context (NP_000170.1, residues 1102-1122): TFFGDDFIPN[Asp1112=]ILIGCEEEEQ